The following is an entry in ClinVar:

NM_001162501.2(TNRC6B):c.1934A>G (p.Lys645Arg)

Gene: TNRC6B (trinucleotide repeat containing adaptor 6B; plus strand). Cytogenetic location: 22q13.1.
Variant type: single nucleotide variant.
Coding change: c.1934A>G on transcript NM_001162501.2 (MANE Select); coding-DNA position 1934, A replaced by G.
Protein change: p.Lys645Arg; replaces lysine 645 with arginine.
Molecular consequence: missense variant. On other transcripts: intron variant (1).
Genome position (GRCh38, 1-based): chr22:40,266,164, A>G. VCF-style: chr22-40266164-A-G. GRCh37 (hg19) VCF-style: chr22-40662168-A-G.
Other names: c.1934A>G, p.Lys645Arg (NM_015088.3); c.566-3958A>G (NM_001024843.2); short protein forms K645R.
Identifiers: ClinVar variation 3393902 (VCV003393902.1).

ClinVar aggregate classification (germline): Uncertain significance (1 of 4 stars; one submission).

gnomAD v4.1: 1 of 1,613,752 alleles (0.000062%); highest among the groups gnomAD compares: Non-Finnish European, 0.000085%; no homozygotes.

Submission:

GeneDx
Classification: Uncertain significance. Last evaluated: 2024-07-05. Review status: criteria provided, single submitter. Criteria: GeneDx Variant Classification Process June 2021. Collection method: clinical testing. Allele origin: germline. Affected: yes.
Comment: Not observed at significant frequency in large population cohorts (gnomAD); In silico analysis indicates that this missense variant does not alter protein structure/function; Has not been previously published as pathogenic or benign to our knowledge